The following is an entry in ClinVar:

NM_000522.5(HOXA13):c.452A>G (p.Lys151Arg)

Genes: HOXA13 (homeobox A13; minus strand), LOC107126288 (NUP98-HOXA13 recombination region; plus strand). Cytogenetic location: 7p15.2.
Variant type: single nucleotide variant.
Coding change: c.452A>G on transcript NM_000522.5 (MANE Select); coding-DNA position 452, A replaced by G.
Protein change: p.Lys151Arg; replaces lysine 151 with arginine.
Molecular consequence: missense variant.
Genome position (GRCh38, 1-based): chr7:27,199,626, T>C on the plus strand (A>G on the coding strand, the complement: HOXA13 is on the minus strand). VCF-style: chr7-27199626-T-C. GRCh37 (hg19) VCF-style: chr7-27239245-T-C.
Other names: short protein forms K151R.
Identifiers: ClinVar variation 3618556 (VCV003618556.2).

ClinVar aggregate classification (germline): Uncertain significance (1 of 4 stars; one submission).

gnomAD v4.1: 5 of 1,359,916 alleles (0.00037%); highest among the groups gnomAD compares: Non-Finnish European, 0.00047%; no homozygotes.

Submission:

Labcorp Genetics (formerly Invitae), Labcorp
Classification: Uncertain significance. Last evaluated: 2024-04-09. Review status: criteria provided, single submitter. Criteria: Invitae Variant Classification Sherloc (09022015). Collection method: clinical testing. Allele origin: germline.
Comment: This sequence change replaces lysine, which is basic and polar, with arginine, which is basic and polar, at codon 151 of the HOXA13 protein (p.Lys151Arg). The frequency data for this variant in the population databases is considered unreliable, as metrics indicate insufficient coverage at this position in the gnomAD database. This variant has not been reported in the literature in individuals affected with HOXA13-related conditions. Advanced modeling of protein sequence and biophysical properties (such as structural, functional, and spatial information, amino acid conservation, physicochemical variation, residue mobility, and thermodynamic stability) performed at Invitae indicates that this missense variant is not expected to disrupt HOXA13 protein function with a negative predictive value of 80%. In summary, the available evidence is currently insufficient to determine the role of this variant in disease. Therefore, it has been classified as a Variant of Uncertain Significance.